The following is an entry in ClinVar:

ClinVar aggregate classification (germline): Uncertain significance (1 of 4 stars; one submission).

Conditions:
Capillary malformation-arteriovenous malformation syndrome. Also called: Capillary malformation-arteriovenous malformation. Identifiers: Orphanet 137667, MedGen C1842180, MONDO:0012016.

Submission:

Labcorp Genetics (formerly Invitae), Labcorp
Classification: Uncertain significance for Capillary malformation-arteriovenous malformation syndrome. Last evaluated: 2022-08-05. Review status: criteria provided, single submitter. Criteria: Invitae Variant Classification Sherloc (09022015). Collection method: clinical testing. Allele origin: germline.
Comment: In summary, the available evidence is currently insufficient to determine the role of this variant in disease. Therefore, it has been classified as a Variant of Uncertain Significance. Algorithms developed to predict the effect of missense changes on protein structure and function are either unavailable or do not agree on the potential impact of this missense change (SIFT: "Tolerated"; PolyPhen-2: "Possibly Damaging"; Align-GVGD: "Class C0"). This variant has not been reported in the literature in individuals affected with RASA1-related conditions. This variant is not present in population databases (gnomAD no frequency). This sequence change replaces proline, which is neutral and non-polar, with leucine, which is neutral and non-polar, at codon 50 of the RASA1 protein (p.Pro50Leu).

NM_002890.3(RASA1):c.149C>T (p.Pro50Leu)

Gene: RASA1 (RAS p21 protein activator 1; plus strand). Cytogenetic location: 5q14.3.
Variant type: single nucleotide variant.
Coding change: c.149C>T on transcript NM_002890.3 (MANE Select); coding-DNA position 149, C replaced by T.
Protein change: p.Pro50Leu; replaces proline 50 with leucine.
Molecular consequence: missense variant.
Genome position (GRCh38, 1-based): chr5:87,268,600, C>T. VCF-style: chr5-87268600-C-T. GRCh37 (hg19) VCF-style: chr5-86564417-C-T.
Other names: short protein forms P50L.
Identifiers: ClinVar variation 1715086 (VCV001715086.6), dbSNP rs2531002416, ClinGen allele CA360416869.